The following is an entry in ClinVar:

NM_006206.6(PDGFRA):c.931+9C>T

Gene: PDGFRA (platelet derived growth factor receptor alpha; plus strand). Cytogenetic location: 4q12.
Variant type: single nucleotide variant.
Coding change: c.931+9C>T on transcript NM_006206.6 (MANE Select); 9 bases into the intron after coding-DNA position 931, C replaced by T.
Molecular consequence: intron variant.
Genome position (GRCh38, 1-based): chr4:54,267,469, C>T. VCF-style: chr4-54267469-C-T. GRCh37 (hg19) VCF-style: chr4-55133636-C-T.
Other names: c.1006+9C>T (NM_001347828.2); c.931+9C>T (NM_001347827.2, NM_001347829.2); c.970+9C>T (NM_001347830.2).
Identifiers: ClinVar variation 459131 (VCV000459131.16), dbSNP rs769263309, ClinGen allele CA2922420.

ClinVar aggregate classification (germline): Benign/Likely benign. Review status: criteria provided, multiple submitters, no conflicts (2 of 4 stars). 2 submissions from 2 submitters: Benign (1); Likely benign (1). Last evaluated 2026-06-16.

Conditions:
Polyps, multiple and recurrent inflammatory fibroid, gastrointestinal. Identifiers: MedGen C5193005, MONDO:0008285, OMIM 175510.
Gastrointestinal stromal tumor. Also called: Gastrointestinal stroma tumor; Gastrointestinal stromal tumor, somatic. Identifiers: Orphanet 44890, MedGen C0238198, MeSH D046152, MONDO:0011719, OMIM 606764, HP:0100723.

Allele frequency attached by ClinVar (database versions not stated): gnomAD 0.00001; TOPMed 0.00001; ExAC 0.00002; gnomAD exomes 0.00002.
gnomAD v4.1: 31 of 1,613,870 alleles (0.0019%); highest among the groups gnomAD compares: African/African-American, 0.0027%; no homozygotes.

Submissions (2):

Myriad Genetics, Inc.
Classification: Benign for Polyps, multiple and recurrent inflammatory fibroid, gastrointestinal. Last evaluated: 2026-06-16. Review status: criteria provided, single submitter. Criteria: Myriad Autosomal Dominant, Autosomal Recessive and X-Linked Classification Criteria (2023). Collection method: clinical testing. Allele origin: unknown.
Comment: This variant is considered benign. This variant is intronic and is not expected to impact mRNA splicing. This variant has been observed at a population frequency that is significantly greater than expected given the associated disease prevalence and penetrance.

Labcorp Genetics (formerly Invitae), Labcorp
Classification: Likely benign for Gastrointestinal stromal tumor. Last evaluated: 2026-01-11. Review status: criteria provided, single submitter. Criteria: Invitae Variant Classification Sherloc (09022015). Collection method: clinical testing. Allele origin: germline.